The following is an entry in ClinVar:

ClinVar aggregate classification (germline): Uncertain significance (1 of 4 stars; one submission).

Conditions:
Mitochondrial trifunctional protein deficiency. Identifiers: Orphanet 746, MedGen C1969443, MONDO:0012172.

Submission:

Labcorp Genetics (formerly Invitae), Labcorp
Classification: Uncertain significance for Mitochondrial trifunctional protein deficiency. Last evaluated: 2023-12-06. Review status: criteria provided, single submitter. Criteria: Invitae Variant Classification Sherloc (09022015). Collection method: clinical testing. Allele origin: germline.
Comment: This sequence change replaces methionine, which is neutral and non-polar, with leucine, which is neutral and non-polar, at codon 75 of the HADHB protein (p.Met75Leu). This variant is not present in population databases (gnomAD no frequency). This variant has not been reported in the literature in individuals affected with HADHB-related conditions. ClinVar contains an entry for this variant (Variation ID: 2123378). Advanced modeling of protein sequence and biophysical properties (such as structural, functional, and spatial information, amino acid conservation, physicochemical variation, residue mobility, and thermodynamic stability) performed at Invitae indicates that this missense variant is not expected to disrupt HADHB protein function with a negative predictive value of 80%. In summary, the available evidence is currently insufficient to determine the role of this variant in disease. Therefore, it has been classified as a Variant of Uncertain Significance.

NM_000183.3(HADHB):c.223A>T (p.Met75Leu)

Gene: HADHB (hydroxyacyl-CoA dehydrogenase trifunctional multienzyme complex subunit beta; plus strand). Cytogenetic location: 2p23.3.
Variant type: single nucleotide variant.
Coding change: c.223A>T on transcript NM_000183.3 (MANE Select); coding-DNA position 223, A replaced by T.
Protein change: p.Met75Leu; replaces methionine 75 with leucine.
Molecular consequence: missense variant. On other transcripts: intron variant (1).
Genome position (GRCh38, 1-based): chr2:26,269,966, A>T. VCF-style: chr2-26269966-A-T. GRCh37 (hg19) VCF-style: chr2-26492834-A-T.
Other names: c.157A>T, p.Met53Leu (NM_001281513.2); c.210-3685A>T (NM_001281512.2); short protein forms M75L, M53L.
Identifiers: ClinVar variation 2123378 (VCV002123378.4), dbSNP rs186435462, ClinGen allele CA346107899.
Genomic context (GRCh38, chr2:26,269,966, plus strand): 5'-TTGAAGCTCTAGGGTTTTGGTTTAAATTACTGGTTTTCGTTCCCCAGATATAAAGACCTG[A>T]TGCCACATGATTTGGCTAGAGCAGCGCTTACGTAAGTAAATGCAGTTTCATTTCCGTTCT-3'
Protein context (NP_000174.1, residues 65-85): LLSGTSYKDL[Met75Leu]PHDLARAALT